The following is an entry in ClinVar:

ClinVar aggregate classification (germline): Uncertain significance (1 of 4 stars; one submission).

Allele frequency attached by ClinVar (database versions not stated): ExAC 0.00004; TOPMed 0.00005; gnomAD exomes 0.00002; ESP Exome Variant Server 0.00015.
gnomAD v4.1: 72 of 1,614,098 alleles (0.0045%); highest among the groups gnomAD compares: Middle Eastern, 0.016%; no homozygotes.

Submission:

Labcorp Genetics (formerly Invitae), Labcorp
Classification: Uncertain significance. Last evaluated: 2022-06-23. Review status: criteria provided, single submitter. Criteria: Invitae Variant Classification Sherloc (09022015). Collection method: clinical testing. Allele origin: germline.
Comment: This sequence change replaces glutamic acid, which is acidic and polar, with lysine, which is basic and polar, at codon 260 of the USH1C protein (p.Glu260Lys). This variant is present in population databases (rs369461618, gnomAD 0.004%). This variant has not been reported in the literature in individuals affected with USH1C-related conditions. Algorithms developed to predict the effect of missense changes on protein structure and function are either unavailable or do not agree on the potential impact of this missense change (SIFT: "Tolerated"; PolyPhen-2: "Possibly Damaging"; Align-GVGD: "Class C0"). In summary, the available evidence is currently insufficient to determine the role of this variant in disease. Therefore, it has been classified as a Variant of Uncertain Significance.

NM_153676.4(USH1C):c.778G>A (p.Glu260Lys)

Gene: USH1C (USH1 protein network component harmonin; minus strand). Cytogenetic location: 11p15.1.
Variant type: single nucleotide variant.
Coding change: c.778G>A on transcript NM_153676.4 (MANE Select); coding-DNA position 778, G replaced by A.
Protein change: p.Glu260Lys; replaces glutamic acid 260 with lysine.
Molecular consequence: missense variant. On other transcripts: non-coding transcript variant (1).
Genome position (GRCh38, 1-based): chr11:17,523,460, C>T on the plus strand (G>A on the coding strand, the complement: USH1C is on the minus strand). VCF-style: chr11-17523460-C-T. GRCh37 (hg19) VCF-style: chr11-17545007-C-T.
Other names: c.778G>A, p.Glu260Lys (NM_001297764.2, NM_005709.4); short protein forms E260K.
Identifiers: ClinVar variation 1389791 (VCV001389791.5), dbSNP rs369461618, ClinGen allele CA5904881.